The following is an entry in ClinVar:

ClinVar aggregate classification (germline): Uncertain significance (1 of 4 stars; one submission).

Conditions:
Fanconi anemia (FA). Also called: Fanconi's anemia. Identifiers: Orphanet 84, MedGen C0015625, MeSH D005199, MONDO:0019391.

gnomAD v4.1: 1 of 1,613,838 alleles (0.000062%); highest among the groups gnomAD compares: South Asian, 0.0011%; no homozygotes.

Submission:

Labcorp Genetics (formerly Invitae), Labcorp
Classification: Uncertain significance for Fanconi anemia. Last evaluated: 2017-06-08. Review status: criteria provided, single submitter. Criteria: Invitae Variant Classification Sherloc (09022015). Collection method: clinical testing. Allele origin: germline.
Comment: In summary, this variant has uncertain impact on FANCA function. The available evidence is currently insufficient to determine its role in disease. Therefore, it has been classified as a Variant of Uncertain Significance. Algorithms developed to predict the effect of missense changes on protein structure and function (SIFT, PolyPhen-2, Align-GVGD) all suggest that this variant is likely to be tolerated, but these predictions have not been confirmed by published functional studies and their clinical significance is uncertain. This variant has not been reported in the literature in individuals with a FANCA-related disease. This variant is not present in population databases (ExAC no frequency). This sequence change replaces alanine with serine at codon 987 of the FANCA protein (p.Ala987Ser). The alanine residue is weakly conserved and there is a moderate physicochemical difference between alanine and serine.

NM_000135.4(FANCA):c.2959G>T (p.Ala987Ser)

Gene: FANCA (FA complementation group A; minus strand). Cytogenetic location: 16q24.3.
Variant type: single nucleotide variant.
Coding change: c.2959G>T on transcript NM_000135.4 (MANE Select); coding-DNA position 2959, G replaced by T.
Protein change: p.Ala987Ser; replaces alanine 987 with serine.
Molecular consequence: missense variant.
Genome position (GRCh38, 1-based): chr16:89,758,599, C>A on the plus strand (G>T on the coding strand, the complement: FANCA is on the minus strand). VCF-style: chr16-89758599-C-A. GRCh37 (hg19) VCF-style: chr16-89825007-C-A.
Other names: c.2959G>T, p.Ala987Ser (NM_001286167.3); c.2959G>T (LRG_495t1); short protein forms A987S.
Identifiers: ClinVar variation 456106 (VCV000456106.8), dbSNP rs752735858, ClinGen allele CA397430995.